The following is an entry in ClinVar:

NM_000051.4(ATM):c.2626C>T (p.Gln876Ter)

Gene: ATM (ATM serine/threonine kinase; plus strand). Cytogenetic location: 11q22.3.
Variant type: single nucleotide variant.
Coding change: c.2626C>T on transcript NM_000051.4 (MANE Select); coding-DNA position 2626, C replaced by T.
Protein change: p.Gln876Ter; replaces glutamine 876 with a stop codon.
Molecular consequence: nonsense.
Genome position (GRCh38, 1-based): chr11:108,267,330, C>T. VCF-style: chr11-108267330-C-T. GRCh37 (hg19) VCF-style: chr11-108138057-C-T.
Other names: c.2626C>T, p.Gln876Ter (NM_001351834.2); short protein forms Q876*.
Identifiers: ClinVar variation 1069814 (VCV001069814.7), dbSNP rs2135509419, ClinGen allele CA382544291.
Genomic context (GRCh38, chr11:108,267,330, plus strand): 5'-AATCTATTTAACGATTACCCTGATAGTAGTGTTAGTGATGCAAACGAACCTGGAGAGAGC[C>T]AAAGTACCATAGGTAAATACATATTTACTACTTGGGATTTCTTTTACTTCTTTATATTGA-3'

ClinVar aggregate classification (germline): Pathogenic (1 of 4 stars; one submission).

Conditions:
Ataxia-telangiectasia syndrome (AT). Also called: LOUIS-BAR SYNDROME; Ataxia-telangiectasia, complementation group D; AT, COMPLEMENTATION GROUP C; Cerebello-oculocutaneous telangiectasia; Immunodeficiency with ataxia telangiectasia; ATAXIA-TELANGIECTASIA, COMPLEMENTATION GROUP A. Identifiers: Orphanet 100, MedGen C0004135, MONDO:0008840, OMIM 208900.

Submission:

Labcorp Genetics (formerly Invitae), Labcorp
Classification: Pathogenic for Ataxia-telangiectasia syndrome. Last evaluated: 2020-09-20. Review status: criteria provided, single submitter. Criteria: Invitae Variant Classification Sherloc (09022015). Collection method: clinical testing. Allele origin: germline.
Comment: This variant is not present in population databases (ExAC no frequency). For these reasons, this variant has been classified as Pathogenic. Loss-of-function variants in ATM are known to be pathogenic (PMID: 23807571, 25614872). This variant has not been reported in the literature in individuals with ATM-related conditions. This sequence change creates a premature translational stop signal (p.Gln876*) in the ATM gene. It is expected to result in an absent or disrupted protein product.

Literature cited by the submitters: PubMed 23807571; PubMed 25614872.